The following is an entry in ClinVar:

NM_018896.5(CACNA1G):c.6184G>A (p.Gly2062Arg)

Gene: CACNA1G (calcium voltage-gated channel subunit alpha1 G; plus strand). Cytogenetic location: 17q21.33.
Variant type: single nucleotide variant.
Coding change: c.6184G>A on transcript NM_018896.5 (MANE Select); coding-DNA position 6184, G replaced by A.
Protein change: p.Gly2062Arg; replaces glycine 2062 with arginine.
Molecular consequence: missense variant. On other transcripts: non-coding transcript variant (5).
Genome position (GRCh38, 1-based): chr17:50,624,030, G>A. VCF-style: chr17-50624030-G-A. GRCh37 (hg19) VCF-style: chr17-48701391-G-A.
Other names: c.5995G>A, p.Gly1999Arg (NM_001256324.2); c.5926G>A, p.Gly1976Arg (NM_001256325.2); c.5914G>A, p.Gly1972Arg (NM_001256326.2); c.5884G>A, p.Gly1962Arg (NM_001256327.2); c.5830G>A, p.Gly1944Arg (NM_001256328.2); c.5803G>A, p.Gly1935Arg (NM_001256329.2, NM_198376.3, NM_198387.3); c.5770G>A, p.Gly1924Arg (NM_001256330.2); c.5749G>A, p.Gly1917Arg (NM_001256331.2); and 15 more; short protein forms G1912R, G1917R, G1924R, G1928R, G1931R, G1933R, G1935R, G1942R.
Identifiers: ClinVar variation 2573863 (VCV002573863.1), dbSNP rs1261113296, ClinGen allele CA400269415.

ClinVar aggregate classification (germline): Uncertain significance (1 of 4 stars; one submission).

Allele frequency attached by ClinVar (database versions not stated): gnomAD exomes below 0.00001; TOPMed 0.00001.
gnomAD v4.1: 1 of 1,613,020 alleles (0.000062%); highest among the groups gnomAD compares: Non-Finnish European, 0.000085%; no homozygotes.

Submission:

GeneDx
Classification: Uncertain significance. Last evaluated: 2023-01-22. Review status: criteria provided, single submitter. Criteria: GeneDx Variant Classification Process June 2021. Collection method: clinical testing. Allele origin: germline. Affected: yes.
Comment: Not observed at significant frequency in large population cohorts (gnomAD); In silico analysis supports that this missense variant does not alter protein structure/function; Has not been previously published as pathogenic or benign to our knowledge